The following is an entry in ClinVar:

ClinVar aggregate classification (germline): Uncertain significance. Review status: criteria provided, multiple submitters, no conflicts (2 of 4 stars). 2 submissions from 2 submitters: Uncertain significance (2). Last evaluated 2025-10-23.

Conditions:
KCNA1-related disorder. Also called: KCNA1-related condition; KCNA1-related disorders.
Episodic ataxia type 1 (EA1). Also called: ATAXIA, EPISODIC, WITH MYOKYMIA; Episodic ataxia/myokymia syndrome; MYOKYMIA WITH PERIODIC ATAXIA; PAROXYSMAL ATAXIA WITH NEUROMYOTONIA, HEREDITARY. Identifiers: Orphanet 37612, Orphanet 972, MedGen C1719788, MONDO:0008047, OMIM 160120.

Submissions (2):

Labcorp Genetics (formerly Invitae), Labcorp
Classification: Uncertain significance for Episodic ataxia type 1. Last evaluated: 2025-10-23. Review status: criteria provided, single submitter. Criteria: Invitae Variant Classification Sherloc (09022015). Collection method: clinical testing. Allele origin: germline.
Comment: This sequence change creates a premature translational stop signal (p.Tyr159*) in the KCNA1 gene. While this is not anticipated to result in nonsense mediated decay, it is expected to disrupt the last 337 amino acid(s) of the KCNA1 protein. This variant is not present in population databases (gnomAD no frequency). This variant has not been reported in the literature in individuals affected with KCNA1-related conditions. In summary, the available evidence is currently insufficient to determine the role of this variant in disease. Therefore, it has been classified as a Variant of Uncertain Significance.

PreventionGenetics, part of Exact Sciences
Classification: Uncertain significance for KCNA1-related condition. Last evaluated: 2025-09-11. Review status: criteria provided, single submitter. Criteria: ACMG Guidelines, 2015. Collection method: clinical testing. Allele origin: germline.
Comment: The KCNA1 c.477C>A variant is predicted to result in premature protein termination (p.Tyr159*). To our knowledge, this variant has not been reported in the literature or in a large population database (gnomAD), indicating this variant is rare. Although we suspect that this variant may be pathogenic, at this time, the clinical significance of this variant is uncertain due to the absence of conclusive functional and genetic evidence.

NM_000217.3(KCNA1):c.477C>A (p.Tyr159Ter)

Gene: KCNA1 (potassium voltage-gated channel subfamily A member 1; plus strand). Cytogenetic location: 12p13.32.
Variant type: single nucleotide variant.
Coding change: c.477C>A on transcript NM_000217.3 (MANE Select); coding-DNA position 477, C replaced by A.
Protein change: p.Tyr159Ter; replaces tyrosine 159 with a stop codon.
Molecular consequence: nonsense.
Genome position (GRCh38, 1-based): chr12:4,911,855, C>A. VCF-style: chr12-4911855-C-A. GRCh37 (hg19) VCF-style: chr12-5021021-C-A.
Other names: c.477C>A (NM_000217.2); short protein forms Y159*.
Identifiers: ClinVar variation 4799041 (VCV004799041.2).
Genomic context (GRCh38, chr12:4,911,855, plus strand): 5'-GGAGGAGCGCCCTCTGCCCGAGAAGGAGTACCAGCGCCAGGTGTGGCTGCTCTTCGAGTA[C>A]CCCGAGAGCTCGGGGCCCGCCAGGGTCATCGCCATCGTCTCCGTCATGGTCATCCTCATC-3'